The following is an entry in ClinVar:

ClinVar aggregate classification (germline): Uncertain significance (1 of 4 stars; one submission).

Submission:

Labcorp Genetics (formerly Invitae), Labcorp
Classification: Uncertain significance. Last evaluated: 2022-03-16. Review status: criteria provided, single submitter. Criteria: Invitae Variant Classification Sherloc (09022015). Collection method: clinical testing. Allele origin: germline.
Comment: This sequence change replaces serine, which is neutral and polar, with arginine, which is basic and polar, at codon 12 of the UFM1 protein (p.Ser12Arg). This variant is not present in population databases (gnomAD no frequency). This variant has not been reported in the literature in individuals affected with UFM1-related conditions. Algorithms developed to predict the effect of missense changes on protein structure and function are either unavailable or do not agree on the potential impact of this missense change (SIFT: "Deleterious"; PolyPhen-2: "Possibly Damaging"; Align-GVGD: "Class C0"). In summary, the available evidence is currently insufficient to determine the role of this variant in disease. Therefore, it has been classified as a Variant of Uncertain Significance.

NM_016617.4(UFM1):c.59+93A>C

Gene: UFM1 (ubiquitin fold modifier 1; plus strand). Cytogenetic location: 13q13.3.
Variant type: single nucleotide variant.
Coding change: c.59+93A>C on transcript NM_016617.4 (MANE Select); 93 bases into the intron after coding-DNA position 59, A replaced by C.
Molecular consequence: intron variant. On other transcripts: missense variant (1).
Genome position (GRCh38, 1-based): chr13:38,350,148, A>C. VCF-style: chr13-38350148-A-C. GRCh37 (hg19) VCF-style: chr13-38924285-A-C.
Other names: c.34A>C, p.Ser12Arg (NM_001286704.2); c.59+93A>C (NM_001286705.2, NM_001286703.2, NM_001286706.2); short protein forms S12R.
Identifiers: ClinVar variation 2113019 (VCV002113019.4), dbSNP rs2500480811, ClinGen allele CA387996882.
Genomic context (GRCh38, chr13:38,350,148, plus strand): 5'-GCCGGACAAGACGGGGCTGGGTTGGGGATGATCCGAGCTTTTCCAACAACTACCCCACGC[A>C]GTCTTCATCTCTTCACTTCATCTACTTTCCTGGCTCGCGCCCTTCCAGGAGCCTTTCCCA-3'